The following is an entry in ClinVar:

NM_006642.5(SDCCAG8):c.1357-9A>G

Gene: SDCCAG8 (SHH signaling and ciliogenesis regulator SDCCAG8; plus strand). Cytogenetic location: 1q43.
Variant type: single nucleotide variant.
Coding change: c.1357-9A>G on transcript NM_006642.5 (MANE Select); 9 bases into the intron before coding-DNA position 1357, A replaced by G.
Molecular consequence: intron variant.
Genome position (GRCh38, 1-based): chr1:243,344,206, A>G. VCF-style: chr1-243344206-A-G. GRCh37 (hg19) VCF-style: chr1-243507508-A-G.
Other names: c.1063-9A>G (NM_001350249.2); c.454-9A>G (NM_001350251.2, NM_001350246.2, NM_001350247.2); c.1453-9A>G (NM_001350248.2).
Identifiers: ClinVar variation 5001302 (VCV005001302.1).

ClinVar aggregate classification (germline): Uncertain significance (1 of 4 stars; one submission).

Conditions:
SDCCAG8-related disorder. Also called: SDCCAG8-Related Disorders; SDCCAG8-related condition.

gnomAD v4.1: 31 of 1,610,986 alleles (0.0019%); highest among the groups gnomAD compares: Non-Finnish European, 0.0026%; no homozygotes.

Submission:

PreventionGenetics, part of Exact Sciences
Classification: Uncertain significance for SDCCAG8-related condition. Last evaluated: 2025-04-29. Review status: criteria provided, single submitter. Criteria: ACMG Guidelines, 2015. Collection method: clinical testing. Allele origin: germline.
Comment: The SDCCAG8 c.1357-9A>G variant is predicted to interfere with splicing. This variant is predicted to impact splicing based on available splicing prediction programs (SpliceAI, Jaganathan et al. 2019. PubMed ID: 30661751). However, the use of computer prediction programs is not equivalent to functional evidence. This variant has been reported in the homozygous state in two siblings with clinical characteristics of SDCCAG8-related disease (Sakakibara et al. 2022. PubMed ID: 35140360). This variant was also reported with a frameshift variant in an individual undergoing sequencing for inherited retinal disease (Table S1, Lin et al. 2024. PubMed ID: 38219857). This variant is reported in 0.0035% of alleles in individuals of European (non-Finnish) descent in gnomAD. Although we suspect that this variant may be pathogenic, at this time, the clinical significance of this variant is uncertain due to the absence of conclusive functional and genetic evidence.